The following is an entry in ClinVar:

ClinVar aggregate classification (germline): Uncertain significance (1 of 4 stars; one submission).

Submission:

Ambry Genetics
Classification: Uncertain significance. Last evaluated: 2023-04-16. Review status: criteria provided, single submitter. Criteria: Ambry Variant Classification Scheme 2023. Collection method: clinical testing. Allele origin: germline.
Comment: The p.K1080R variant (also known as c.3239A>G), located in coding exon 1 of the MLH3 gene, results from an A to G substitution at nucleotide position 3239. The lysine at codon 1080 is replaced by arginine, an amino acid with highly similar properties. This amino acid position is conserved. In addition, this alteration is predicted to be tolerated by in silico analysis. Since supporting evidence is limited at this time, the clinical significance of this alteration remains unclear.

NM_001040108.2(MLH3):c.3239A>G (p.Lys1080Arg)

Gene: MLH3 (mutL homolog 3; minus strand). Cytogenetic location: 14q24.3.
Variant type: single nucleotide variant.
Coding change: c.3239A>G on transcript NM_001040108.2 (MANE Select); coding-DNA position 3239, A replaced by G.
Protein change: p.Lys1080Arg; replaces lysine 1080 with arginine.
Molecular consequence: missense variant.
Genome position (GRCh38, 1-based): chr14:75,046,417, T>C on the plus strand (A>G on the coding strand, the complement: MLH3 is on the minus strand). VCF-style: chr14-75046417-T-C. GRCh37 (hg19) VCF-style: chr14-75513120-T-C.
Other names: c.3239A>G, p.Lys1080Arg (NM_014381.3); short protein forms K1080R.
Identifiers: ClinVar variation 2563539 (VCV002563539.2), dbSNP rs2503250813, ClinGen allele CA390434482.